The following is an entry in ClinVar:

ClinVar aggregate classification (germline): Likely benign. Review status: criteria provided, multiple submitters, no conflicts (2 of 4 stars). 2 submissions from 2 submitters: Likely benign (2). Last evaluated 2025-03-16.

Conditions:
Charcot-Marie-Tooth disease axonal type 2O. Also called: CHARCOT-MARIE-TOOTH NEUROPATHY, AXONAL, TYPE 2O; CHARCOT-MARIE-TOOTH DISEASE, AXONAL, AUTOSOMAL DOMINANT, TYPE 2O; Charcot-Marie-Tooth Neuropathy Type 2O; Charcot-Marie-Tooth disease, axonal, type 20. Identifiers: Orphanet 284232, MedGen C3280220, MONDO:0013644, OMIM 614228.

Allele frequency attached by ClinVar (database versions not stated): TOPMed 0.00014; 1000 Genomes Project 30x 0.00016; 1000 Genomes Project 0.00020.
gnomAD v4.1: 31 of 1,611,646 alleles (0.0019%); highest among the groups gnomAD compares: African/African-American, 0.023%; no homozygotes.

Submissions (2):

Labcorp Genetics (formerly Invitae), Labcorp
Classification: Likely benign for Charcot-Marie-Tooth disease axonal type 2O. Last evaluated: 2025-03-16. Review status: criteria provided, single submitter. Criteria: Invitae Variant Classification Sherloc (09022015). Collection method: clinical testing. Allele origin: germline.

GeneDx
Classification: Likely benign. Last evaluated: 2017-06-26. Review status: criteria provided, single submitter. Criteria: GeneDx Variant Classification (06012015). Collection method: clinical testing. Allele origin: germline. Affected: yes.
Comment: This variant is considered likely benign or benign based on one or more of the following criteria: it is a conservative change, it occurs at a poorly conserved position in the protein, it is predicted to be benign by multiple in silico algorithms, and/or has population frequency not consistent with disease.

NM_001376.5(DYNC1H1):c.4074+16G>T

Gene: DYNC1H1 (dynein cytoplasmic 1 heavy chain 1; plus strand). Cytogenetic location: 14q32.31.
Variant type: single nucleotide variant.
Coding change: c.4074+16G>T on transcript NM_001376.5 (MANE Select); 16 bases into the intron after coding-DNA position 4074, G replaced by T.
Molecular consequence: intron variant.
Genome position (GRCh38, 1-based): chr14:102,000,415, G>T. VCF-style: chr14-102000415-G-T. GRCh37 (hg19) VCF-style: chr14-102466752-G-T.
Identifiers: ClinVar variation 518194 (VCV000518194.9), dbSNP rs200562671, ClinGen allele CA7352152.
Genomic context (GRCh38, chr14:102,000,415, plus strand): 5'-GATCAGATGAAGGAGCAACCCTGGGTTTCAGTACAGCCTCGAAAGGTATATCATGAAATC[G>T]GTGTTTGTGTACGTCTATTTTAACAGTTACAGACTTTATTTAGGAACGTGACAAGCCAAG-3'